The following is an entry in ClinVar:

ClinVar aggregate classification (germline): Uncertain significance (1 of 4 stars; one submission).

Submission:

Labcorp Genetics (formerly Invitae), Labcorp
Classification: Uncertain significance. Last evaluated: 2024-02-24. Review status: criteria provided, single submitter. Criteria: Invitae Variant Classification Sherloc (09022015). Collection method: clinical testing. Allele origin: germline.
Comment: This sequence change replaces serine, which is neutral and polar, with alanine, which is neutral and non-polar, at codon 1106 of the KMT2A protein (p.Ser1106Ala). This variant is not present in population databases (gnomAD no frequency). This variant has not been reported in the literature in individuals affected with KMT2A-related conditions. ClinVar contains an entry for this variant (Variation ID: 1443432). Advanced modeling of protein sequence and biophysical properties (such as structural, functional, and spatial information, amino acid conservation, physicochemical variation, residue mobility, and thermodynamic stability) has been performed at Invitae for this missense variant, however the output from this modeling did not meet the statistical confidence thresholds required to predict the impact of this variant on KMT2A protein function. In summary, the available evidence is currently insufficient to determine the role of this variant in disease. Therefore, it has been classified as a Variant of Uncertain Significance.

NM_001197104.2(KMT2A):c.3316T>G (p.Ser1106Ala)

Gene: KMT2A (lysine methyltransferase 2A; plus strand). Cytogenetic location: 11q23.3.
Variant type: single nucleotide variant.
Coding change: c.3316T>G on transcript NM_001197104.2 (MANE Select); coding-DNA position 3316, T replaced by G.
Protein change: p.Ser1106Ala; replaces serine 1106 with alanine.
Molecular consequence: missense variant.
Genome position (GRCh38, 1-based): chr11:118,476,964, T>G. VCF-style: chr11-118476964-T-G. GRCh37 (hg19) VCF-style: chr11-118347679-T-G.
Other names: c.3316T>G, p.Ser1106Ala (NM_005933.4); short protein forms S1106A.
Identifiers: ClinVar variation 1443432 (VCV001443432.8), dbSNP rs2134282793, ClinGen allele CA382824126.
Genomic context (GRCh38, chr11:118,476,964, plus strand): 5'-TTTCCTGATGACATGCCCACCCTGAGTGCCTTACCATGGGAAGAACGAGAAAAGATTTTG[T>G]CTTCCATGGGGAATGATGGTAGGTCAAGAAGGTCAATCTTGGAGTCGGAACAGACTTTTG-3'
Protein context (NP_001184033.1, residues 1096-1116): LPWEEREKIL[Ser1106Ala]SMGNDDKSSI